The following is an entry in ClinVar:

NM_001482.3(GATM):c.1159+14A>G

Gene: GATM (glycine amidinotransferase; minus strand). Cytogenetic location: 15q21.1.
Variant type: single nucleotide variant.
Coding change: c.1159+14A>G on transcript NM_001482.3 (MANE Select); 14 bases into the intron after coding-DNA position 1159, A replaced by G.
Molecular consequence: intron variant.
Genome position (GRCh38, 1-based): chr15:45,363,886, T>C on the plus strand (A>G on the coding strand, the complement: GATM is on the minus strand). VCF-style: chr15-45363886-T-C. GRCh37 (hg19) VCF-style: chr15-45656084-T-C.
Other names: c.772+14A>G (NM_001321015.2).
Identifiers: ClinVar variation 316210 (VCV000316210.16), dbSNP rs368974196, ClinGen allele CA7542781.

ClinVar aggregate classification (germline): Likely benign. Review status: reviewed by expert panel (3 of 4 stars). 4 submissions from 4 submitters: Likely benign (1). 3 of the submissions do not count toward it. Last evaluated 2026-05-13.

Conditions:
Arginine:glycine amidinotransferase deficiency (CCDS3). Also called: Creatine deficiency syndrome due to AGAT deficiency; GATM deficiency; Cerebral creatine deficiency syndrome 3; L-Arginine:Glycine Amidinotransferase (AGAT) Deficiency; AGAT deficiency; L-Arginine:Glycine Amidinotransferase Deficiency. Identifiers: Orphanet 35704, MedGen C2675179, MONDO:0012996, OMIM 612718.

Allele frequency attached by ClinVar (database versions not stated): ExAC 0.00003; gnomAD 0.00003 and 0.00004; gnomAD exomes 0.00004 and 0.00007; TOPMed 0.00005; ESP Exome Variant Server 0.00008; 1000 Genomes Project 0.00020; 1000 Genomes Project 30x 0.00031.
gnomAD v4.1: 100 of 1,440,052 alleles (0.0069%); highest among the groups gnomAD compares: Non-Finnish European, 0.0092%; no homozygotes.

Submissions (5):

ClinGen Cerebral Creatine Deficiency Syndromes Variant Curation Expert Panel, ClinGen
Classification: Likely benign for Arginine:glycine amidinotransferase deficiency. Last evaluated: 2026-05-13. Review status: reviewed by expert panel. Criteria: ClinGen CCDS ACMG Specifications GATM V2.0.0. Collection method: curation. Allele origin: germline. Inheritance: Autosomal recessive inheritance.
Comment: The NM_001482.3:c.1159+14A>G variant is a nucleotide substitution in intron 8 of GATM. As the location of the variant is between +7 and - 21 in the intron, BP7 can be applied (BP7).The computational splicing predictor SpliceAI gives a score of 0.0 for donor and acceptor loss suggesting that the variant has no impact on splicing (BP4). The Total GrpMax filtering allele frequency in gnomAD v4.1.0. is 0.00007666 from the European non-Finnish genetic ancestry group (the lower threshold of the 95% CI of 94/1022114 alleles), which is lower than the ClinGen CCDS VCEP's threshold 0.0001 for BS1, but higher than the VCEP's MAF threshold for PM2_Supporting (<0.000055). Therefore no population codes are met. To our knowledge, this variant has not been reported in individuals with AGAT deficiency and the results of functional studies are not available. There is a ClinVar entry for this variant (Variation ID: 316210). In summary, this variant meets the criteria to be classified as likely benign for AGAT deficiency based on the ACMG/AMP criteria applied, as specified by the ClinGen Cerebral Creatine Deficiency Syndromes Variant Curation Expert Panel (Specifications Version 2.0.0): BP4, BP7 (Classification approved by the ClinGen Cerebral Creatine Deficiency Syndromes Variant Curation Expert Panel on April 24, 2026)

Labcorp Genetics (formerly Invitae), Labcorp
Classification: Likely benign for Arginine:glycine amidinotransferase deficiency. Last evaluated: 2025-12-01. Review status: criteria provided, single submitter. Criteria: Invitae Variant Classification Sherloc (09022015). Collection method: clinical testing. Allele origin: germline. Not counted in ClinVar's aggregate classification.

Illumina Laboratory Services, Illumina
Classification: Uncertain significance for Arginine:glycine amidinotransferase deficiency. Last evaluated: 2018-01-13. Review status: criteria provided, single submitter. Criteria: ICSL Variant Classification Criteria 13 December 2019. Collection method: clinical testing. Allele origin: germline. Not counted in ClinVar's aggregate classification.

GeneDx
Classification: Likely benign. Last evaluated: 2017-02-02. Review status: criteria provided, single submitter. Criteria: GeneDx Variant Classification (06012015). Collection method: clinical testing. Allele origin: germline. Affected: yes. Not counted in ClinVar's aggregate classification.
Comment: This variant is considered likely benign or benign based on one or more of the following criteria: it is a conservative change, it occurs at a poorly conserved position in the protein, it is predicted to be benign by multiple in silico algorithms, and/or has population frequency not consistent with disease.

Dr. Peter K. Rogan Lab, Western University
No classification provided (evidence only). Condition: Melanoma. Review status: no classification provided. Collection method: in vitro. Allele origin: not applicable. Functional consequence: retained intron. Not counted in ClinVar's aggregate classification.